The following is an entry in ClinVar:

NM_001292063.2(OTOG):c.7253C>T (p.Pro2418Leu)

Gene: OTOG (otogelin; plus strand). Cytogenetic location: 11p15.1.
Variant type: single nucleotide variant.
Coding change: c.7253C>T on transcript NM_001292063.2 (MANE Select); coding-DNA position 7253, C replaced by T.
Protein change: p.Pro2418Leu; replaces proline 2418 with leucine.
Molecular consequence: missense variant.
Genome position (GRCh38, 1-based): chr11:17,633,860, C>T. VCF-style: chr11-17633860-C-T. GRCh37 (hg19) VCF-style: chr11-17655407-C-T.
Other names: c.7289C>T, p.Pro2430Leu (NM_001277269.2); short protein forms P2418L, P2430L.
Identifiers: ClinVar variation 4526977 (VCV004526977.1).
Genomic context (GRCh38, chr11:17,633,860, plus strand): 5'-AGGGCTGCGTCTGCTCCGAGGGCACCATCTTACACCGGCGCCACTCTGCACTCTGCATCC[C>T]GGAGGCCAAGTGCGGTAGGTTCCTCCCCTCCCTGAGTGGGGGGCCTCCAAAGCCAGCCTC-3'
Protein context (NP_001278992.1, residues 2408-2428): LHRRHSALCI[Pro2418Leu]EAKCACTDSM

ClinVar aggregate classification (germline): Uncertain significance (1 of 4 stars; one submission).

gnomAD v4.1: 98 of 1,540,292 alleles (0.0064%); highest among the groups gnomAD compares: Admixed American, 0.01%; no homozygotes.

Submission:

GeneDx
Classification: Uncertain significance. Last evaluated: 2025-05-02. Review status: criteria provided, single submitter. Criteria: GeneDx Variant Classification Process June 2021. Collection method: clinical testing. Allele origin: germline. Affected: yes.
Comment: Not observed at significant frequency in large population cohorts (gnomAD); In silico analysis supports that this missense variant has a deleterious effect on protein structure/function; Has not been previously published as pathogenic or benign to our knowledge